The following is an entry in ClinVar:

ClinVar aggregate classification (germline): Uncertain significance. Review status: criteria provided, multiple submitters, no conflicts (2 of 4 stars). 2 submissions from 2 submitters: Uncertain significance (2). Last evaluated 2025-04-23.

Conditions:
Hereditary cancer-predisposing syndrome. Also called: Neoplastic Syndromes, Hereditary; Tumor predisposition; Hereditary neoplastic syndrome; Hereditary Cancer Syndrome. Identifiers: Orphanet 140162, MedGen C0027672, MeSH D009386, MONDO:0015356.
DICER1-related tumor predisposition. Also called: DICER1-related pleuropulmonary blastoma cancer predisposition syndrome; DICER1 syndrome. Identifiers: Orphanet 284343, MedGen C3839822, MONDO:0100216.

Submissions (2):

Labcorp Genetics (formerly Invitae), Labcorp
Classification: Uncertain significance for DICER1-related tumor predisposition. Last evaluated: 2025-04-23. Review status: criteria provided, single submitter. Criteria: Invitae Variant Classification Sherloc (09022015). Collection method: clinical testing. Allele origin: germline.
Comment: This sequence change falls in intron 18 of the DICER1 gene. It does not directly change the encoded amino acid sequence of the DICER1 protein. It affects a nucleotide within the consensus splice site. This variant is not present in population databases (gnomAD no frequency). This variant has not been reported in the literature in individuals affected with DICER1-related conditions. ClinVar contains an entry for this variant (Variation ID: 1798450). Variants that disrupt the consensus splice site are a relatively common cause of aberrant splicing (PMID: 17576681, 9536098). Algorithms developed to predict the effect of sequence changes on RNA splicing suggest that this variant is not likely to affect RNA splicing. In summary, the available evidence is currently insufficient to determine the role of this variant in disease. Therefore, it has been classified as a Variant of Uncertain Significance.

Ambry Genetics
Classification: Uncertain significance for Hereditary cancer-predisposing syndrome. Last evaluated: 2021-07-06. Review status: criteria provided, single submitter. Criteria: Ambry Variant Classification Scheme 2023. Collection method: clinical testing. Allele origin: germline.
Comment: The c.2987+4A>C intronic variant results from an A to C substitution 4 nucleotides after coding exon 17 in the DICER1 gene. This nucleotide position is well conserved in available vertebrate species. In silico splice site analysis predicts that this alteration will not have any significant effect on splicing. Since supporting evidence is limited at this time, the clinical significance of this alteration remains unclear.

Literature cited by the submitters: PubMed 17576681 (cited by Labcorp Genetics (formerly Invitae), Labcorp); PubMed 9536098 (cited by Labcorp Genetics (formerly Invitae), Labcorp).

NM_177438.3(DICER1):c.2987+4A>C

Gene: DICER1 (dicer 1, ribonuclease III; minus strand). Cytogenetic location: 14q32.13.
Variant type: single nucleotide variant.
Coding change: c.2987+4A>C on transcript NM_177438.3 (MANE Select); 4 bases into the intron after coding-DNA position 2987, A replaced by C.
Molecular consequence: intron variant. On other transcripts: non-coding transcript variant (1).
Genome position (GRCh38, 1-based): chr14:95,106,037, T>G on the plus strand (A>C on the coding strand, the complement: DICER1 is on the minus strand). VCF-style: chr14-95106037-T-G. GRCh37 (hg19) VCF-style: chr14-95572374-T-G.
Other names: c.2987+4A>C (NM_001291628.2, NM_030621.4, NM_001395677.1 and 12 more transcripts); c.2582+4A>C (NM_001395690.1, NM_001395687.1, NM_001395689.1 and 2 more transcripts); c.2705+4A>C (NM_001395686.1); c.2420+4A>C (NM_001395691.1); c.1304+4A>C (NM_001395697.1).
Identifiers: ClinVar variation 1798450 (VCV001798450.3), dbSNP rs1595373594, ClinGen allele CA2580089040.